The following is an entry in ClinVar:

NM_014023.4(WDR37):c.406A>T (p.Ser136Cys)

Gene: WDR37 (WD repeat domain 37; plus strand). Cytogenetic location: 10p15.3.
Variant type: single nucleotide variant.
Coding change: c.406A>T on transcript NM_014023.4 (MANE Select); coding-DNA position 406, A replaced by T.
Protein change: p.Ser136Cys; replaces serine 136 with cysteine.
Molecular consequence: missense variant.
Genome position (GRCh38, 1-based): chr10:1,084,412, A>T. VCF-style: chr10-1084412-A-T. GRCh37 (hg19) VCF-style: chr10-1130352-A-T.
Other names: short protein forms S136C.
Identifiers: ClinVar variation 1175763 (VCV001175763.36), dbSNP rs2131630556, ClinGen allele CA375856997.

ClinVar aggregate classification (germline): Likely pathogenic. Review status: criteria provided, multiple submitters, no conflicts (2 of 4 stars). 2 submissions from 2 submitters: Likely pathogenic (2). Last evaluated 2021-10-02.

Conditions:
Neurooculocardiogenitourinary syndrome. Identifiers: Orphanet 684305, MedGen C5231443, MONDO:0032850, OMIM 618652.

Submissions (2):

3billion
Classification: Likely pathogenic for Neurooculocardiogenitourinary syndrome. Last evaluated: 2021-10-02. Review status: criteria provided, single submitter. Criteria: ACMG Guidelines, 2015. Collection method: clinical testing. Allele origin: germline. Affected: yes. Observed: 1 heterozygote.
Comment: The variant was observed as assumed (i.e. paternity and maternity not confirmed) de novoo (3billion dataset, PM6). It is not observed in the gnomAD v2.1.1 dataset (PM2). In silico tool predictions suggest damaging effect of the variant on gene or gene product (REVEL: 0.626, 3Cnet: 0.902, PP3). Patient's phenotype is considered compatible with Neurooculocardiogenitourinary syndrome (3billion dataset, PP4). Therefore, this variant is classified as pathogenic according to the recommendation of ACMG/AMP guideline.

CeGaT Center for Human Genetics Tuebingen
Classification: Likely pathogenic. Last evaluated: 2021-03-01. Review status: criteria provided, single submitter. Criteria: CeGaT Center For Human Genetics Tuebingen Variant Classification Criteria Version 2. Collection method: clinical testing. Allele origin: germline. Affected: yes. Observed: 1 variant allele.